The following is an entry in ClinVar:

ClinVar aggregate classification (germline): Uncertain significance. Review status: criteria provided, multiple submitters, no conflicts (2 of 4 stars). 3 submissions from 3 submitters: Uncertain significance (3). Last evaluated 2025-12-15.

Conditions:
TGFBR1-related disorder. Also called: TGFBR1-related condition.
Familial thoracic aortic aneurysm and aortic dissection (TAAD). Also called: Thoracic aortic aneurysms and dissections. Identifiers: Orphanet 91387, MedGen C4707243, MONDO:0019625.

Allele frequency attached by ClinVar (database versions not stated): gnomAD exomes below 0.00001.
gnomAD v4.1: 3 of 1,613,938 alleles (0.00019%); highest among the groups gnomAD compares: African/African-American, 0.0027%; no homozygotes.

Submissions (3):

Color Diagnostics, LLC DBA Color Health
Classification: Uncertain significance for Familial thoracic aortic aneurysm and aortic dissection. Last evaluated: 2025-12-15. Review status: criteria provided, single submitter. Criteria: ACMG Guidelines, 2015. Collection method: clinical testing. Allele origin: germline.
Comment: This missense variant replaces proline with alanine at codon 369 of the TGFBR1 protein. Computational prediction suggests that this variant may not impact protein structure and function. To our knowledge, functional studies have not been reported for this variant. This variant has not been reported in individuals affected with TGFBR1-related disorders in the literature. This variant has been identified in 3/1613938 chromosomes in the general population by the Genome Aggregation Database (gnomAD). The available evidence is insufficient to determine the role of this variant in disease conclusively. Therefore, this variant is classified as a Variant of Uncertain Significance.

Ambry Genetics
Classification: Uncertain significance for Familial thoracic aortic aneurysm and aortic dissection. Last evaluated: 2024-08-25. Review status: criteria provided, single submitter. Criteria: Ambry Variant Classification Scheme 2023. Collection method: clinical testing. Allele origin: germline.
Comment: The p.P369A variant (also known as c.1105C>G), located in coding exon 6 of the TGFBR1 gene, results from a C to G substitution at nucleotide position 1105. The proline at codon 369 is replaced by alanine, an amino acid with highly similar properties. This amino acid position is conserved. In addition, the in silico prediction for this alteration is inconclusive. Based on the available evidence, the clinical significance of this variant remains unclear.

PreventionGenetics, part of Exact Sciences
Classification: Uncertain significance for TGFBR1-related condition. Last evaluated: 2023-06-21. Review status: criteria provided, single submitter. Criteria: ACMG Guidelines, 2015. Collection method: clinical testing. Allele origin: germline.
Comment: The TGFBR1 c.1105C>G variant is predicted to result in the amino acid substitution p.Pro369Ala. To our knowledge, this variant has not been reported in the literature or in a large population database, indicating this variant is rare. At this time, the clinical significance of this variant is uncertain due to the absence of conclusive functional and genetic evidence.

NM_004612.4(TGFBR1):c.1105C>G (p.Pro369Ala)

Gene: TGFBR1 (transforming growth factor beta receptor 1; plus strand). Cytogenetic location: 9q22.33.
Variant type: single nucleotide variant.
Coding change: c.1105C>G on transcript NM_004612.4 (MANE Select); coding-DNA position 1105, C replaced by G.
Protein change: p.Pro369Ala; replaces proline 369 with alanine.
Molecular consequence: missense variant. On other transcripts: non-coding transcript variant (4).
Genome position (GRCh38, 1-based): chr9:99,144,863, C>G. VCF-style: chr9-99144863-C-G. GRCh37 (hg19) VCF-style: chr9-101907145-C-G.
Other names: c.874C>G, p.Pro292Ala (NM_001130916.3, NM_001407435.1); c.1117C>G, p.Pro373Ala (NM_001306210.2); c.949C>G, p.Pro317Ala (NM_001407416.1); c.937C>G, p.Pro313Ala (NM_001407417.1); c.910C>G, p.Pro304Ala (NM_001407418.1, NM_001407419.1, NM_001407420.1 and 1 more transcripts); c.898C>G, p.Pro300Ala (NM_001407423.1, NM_001407424.1, NM_001407425.1 and 8 more transcripts); c.859C>G, p.Pro287Ala (NM_001407436.1); c.397C>G, p.Pro133Ala (NM_001407437.1); and 2 more; short protein forms P133A, P210A, P287A, P292A, P300A, P304A, P313A, P317A.
Identifiers: ClinVar variation 2636733 (VCV002636733.3), dbSNP rs2118806833, ClinGen allele CA374231689.
Genomic context (GRCh38, chr9:99,144,863, plus strand): 5'-ATTGCAGACTTAGGACTGGCAGTAAGACATGATTCAGCCACAGATACCATTGATATTGCT[C>G]CAAACCACAGAGTGGGAACAAAAAGGTATACTTTTGAACAACTATATTTAATATCTTCTG-3'
Protein context (NP_004603.1, residues 359-379): DSATDTIDIA[Pro369Ala]NHRVGTKRYM